The following is an entry in ClinVar:

ClinVar aggregate classification (germline): Pathogenic (1 of 4 stars; one submission).

Conditions:
Peroxisome biogenesis disorder, complementation group 7 (CG7). Also called: Peroxisome biogenesis disorder, complementation group B. Identifiers: MedGen C1864399.

Submission:

Labcorp Genetics (formerly Invitae), Labcorp
Classification: Pathogenic for Peroxisome biogenesis disorder, complementation group 7. Last evaluated: 2024-01-21. Review status: criteria provided, single submitter. Criteria: Invitae Variant Classification Sherloc (09022015). Collection method: clinical testing. Allele origin: germline.
Comment: This sequence change creates a premature translational stop signal (p.Tyr66*) in the PEX10 gene. It is expected to result in an absent or disrupted protein product. Loss-of-function variants in PEX10 are known to be pathogenic (PMID: 9683594, 10862081, 21031596). This variant is not present in population databases (gnomAD no frequency). This variant has not been reported in the literature in individuals affected with PEX10-related conditions. For these reasons, this variant has been classified as Pathogenic.

Literature cited by the submitters: PubMed 9683594; PubMed 10862081; PubMed 21031596.

NM_002617.4(PEX10):c.198C>G (p.Tyr66Ter)

Gene: PEX10 (peroxisomal biogenesis factor 10; minus strand). Cytogenetic location: 1p36.32.
Variant type: single nucleotide variant.
Coding change: c.198C>G on transcript NM_002617.4 (MANE Select); coding-DNA position 198, C replaced by G.
Protein change: p.Tyr66Ter; replaces tyrosine 66 with a stop codon.
Molecular consequence: nonsense. On other transcripts: 5 prime UTR variant (2), non-coding transcript variant (1).
Genome position (GRCh38, 1-based): chr1:2,408,854, G>C on the plus strand (C>G on the coding strand, the complement: PEX10 is on the minus strand). VCF-style: chr1-2408854-G-C. GRCh37 (hg19) VCF-style: chr1-2340293-G-C.
Other names: c.198C>G, p.Tyr66Ter (NM_001374425.1, NM_153818.2); c.-235C>G (NM_001374426.1, NM_001374427.1); short protein forms Y66*.
Identifiers: ClinVar variation 2710654 (VCV002710654.3), dbSNP rs2522280663, ClinGen allele CA337989142.